The following is an entry in ClinVar:

NM_000363.5(TNNI3):c.109-7C>G

Gene: TNNI3 (troponin I3, cardiac type; minus strand). Cytogenetic location: 19q13.42.
Variant type: single nucleotide variant.
Coding change: c.109-7C>G on transcript NM_000363.5 (MANE Select); 7 bases into the intron before coding-DNA position 109, C replaced by G.
Molecular consequence: intron variant.
Genome position (GRCh38, 1-based): chr19:55,156,651, G>C on the plus strand (C>G on the coding strand, the complement: TNNI3 is on the minus strand). VCF-style: chr19-55156651-G-C. GRCh37 (hg19) VCF-style: chr19-55668019-G-C.
Other names: c.109-7C>G (LRG_432t1).
Identifiers: ClinVar variation 661675 (VCV000661675.6), dbSNP rs1317507392, ClinGen allele CA633871895.

ClinVar aggregate classification (germline): Conflicting classifications of pathogenicity. Review status: criteria provided, conflicting classifications (1 of 4 stars). 3 submissions from 3 submitters: Uncertain significance (1); Likely benign (2). Last evaluated 2024-01-25.

Conditions:
Cardiomyopathy (CMYO). Also called: Cardiomyopathies. Identifiers: Orphanet 167848, MedGen C0878544, MONDO:0004994, HP:0001638. Inheritance: Various modes of inheritance.
Hypertrophic cardiomyopathy. Also called: HYPERTROPHIC MYOCARDIOPATHY. Identifiers: Orphanet 217569, MedGen C0007194, MeSH D002312, MONDO:0005045, HP:0001639.

Allele frequency attached by ClinVar (database versions not stated): TOPMed below 0.00001; gnomAD exomes 0.00001.

Submissions (3):

Color Diagnostics, LLC DBA Color Health
Classification: Uncertain significance for Cardiomyopathy. Last evaluated: 2024-01-25. Review status: criteria provided, single submitter. Criteria: ACMG Guidelines, 2015. Collection method: clinical testing. Allele origin: germline.
Comment: This variant causes a C to G nucleotide substitution at the -7 position of intron 3 of the TNNI3 gene. Splice site prediction tools are inconclusive regarding the impact of this variant on RNA splicing. To our knowledge, RNA studies have not been reported for this variant. This variant has not been reported in individuals affected with TNNI3-related disorders in the literature. This variant has been identified in 2/173168 chromosomes in the general population by the Genome Aggregation Database (gnomAD). The available evidence is insufficient to determine the role of this variant in disease conclusively. Therefore, this variant is classified as a Variant of Uncertain Significance.

Labcorp Genetics (formerly Invitae), Labcorp
Classification: Likely benign for Hypertrophic cardiomyopathy. Last evaluated: 2022-07-12. Review status: criteria provided, single submitter. Criteria: Invitae Variant Classification Sherloc (09022015). Collection method: clinical testing. Allele origin: germline.

Blueprint Genetics
Classification: Likely benign. Last evaluated: 2020-04-24. Review status: criteria provided, single submitter. Criteria: ACMG Guidelines, 2015. Collection method: clinical testing. Allele origin: germline.